The following is an entry in ClinVar:

NM_000264.5(PTCH1):c.1577G>A (p.Gly526Glu)

Gene: PTCH1 (patched 1; minus strand). Cytogenetic location: 9q22.32.
Variant type: single nucleotide variant.
Coding change: c.1577G>A on transcript NM_000264.5 (MANE Select); coding-DNA position 1577, G replaced by A.
Protein change: p.Gly526Glu; replaces glycine 526 with glutamic acid.
Molecular consequence: missense variant. On other transcripts: non-coding transcript variant (1).
Genome position (GRCh38, 1-based): chr9:95,476,784, C>T on the plus strand (G>A on the coding strand, the complement: PTCH1 is on the minus strand). VCF-style: chr9-95476784-C-T. GRCh37 (hg19) VCF-style: chr9-98239066-C-T.
Other names: c.1577G>A (NM_000264.3); c.1379G>A, p.Gly460Glu (NM_001083602.3); c.1574G>A, p.Gly525Glu (NM_001083603.3); c.1124G>A, p.Gly375Glu (NM_001083604.3, NM_001083605.3, NM_001083606.3 and 1 more transcripts); c.1421G>A, p.Gly474Glu (NM_001354918.2); short protein forms G460E, G525E, G375E, G474E, G526E.
Identifiers: ClinVar variation 1404597 (VCV001404597.12), dbSNP rs1841074166, ClinGen allele CA374118201.

ClinVar aggregate classification (germline): Uncertain significance. Review status: criteria provided, multiple submitters, no conflicts (2 of 4 stars). 2 submissions from 2 submitters: Uncertain significance (2). Last evaluated 2024-06-16.

Conditions:
Gorlin syndrome. Also called: Nevoid Basal Cell Carcinoma Syndrome; Basal cell nevus syndrome. Identifiers: Orphanet 377, MedGen C0004779, MONDO:0007187.
Hereditary cancer-predisposing syndrome. Also called: Neoplastic Syndromes, Hereditary; Hereditary neoplastic syndrome; Hereditary Cancer Syndrome; Tumor predisposition. Identifiers: Orphanet 140162, MedGen C0027672, MeSH D009386, MONDO:0015356.

Submissions (2):

Ambry Genetics
Classification: Uncertain significance for Hereditary cancer-predisposing syndrome. Last evaluated: 2024-06-16. Review status: criteria provided, single submitter. Criteria: Ambry Variant Classification Scheme 2023. Collection method: clinical testing. Allele origin: germline.
Comment: The p.G526E variant (also known as c.1577G>A), located in coding exon 11 of the PTCH1 gene, results from a G to A substitution at nucleotide position 1577. The glycine at codon 526 is replaced by glutamic acid, an amino acid with similar properties. This amino acid position is conserved. In addition, this alteration is predicted to be deleterious by in silico analysis. Based on the available evidence, the clinical significance of this variant remains unclear.

Labcorp Genetics (formerly Invitae), Labcorp
Classification: Uncertain significance for Gorlin syndrome. Last evaluated: 2021-08-05. Review status: criteria provided, single submitter. Criteria: Invitae Variant Classification Sherloc (09022015). Collection method: clinical testing. Allele origin: germline.
Comment: Advanced modeling of protein sequence and biophysical properties (such as structural, functional, and spatial information, amino acid conservation, physicochemical variation, residue mobility, and thermodynamic stability) performed at Invitae indicates that this missense variant is not expected to disrupt PTCH1 protein function. This variant has not been reported in the literature in individuals with PTCH1-related conditions. This variant is not present in population databases (ExAC no frequency). This sequence change replaces glycine with glutamic acid at codon 526 of the PTCH1 protein (p.Gly526Glu). The glycine residue is moderately conserved and there is a moderate physicochemical difference between glycine and glutamic acid. In summary, the available evidence is currently insufficient to determine the role of this variant in disease. Therefore, it has been classified as a Variant of Uncertain Significance.